The following is an entry in ClinVar:

ClinVar aggregate classification (germline): Uncertain significance. Review status: criteria provided, multiple submitters, no conflicts (2 of 4 stars). 2 submissions from 2 submitters: Uncertain significance (2). Last evaluated 2022-03-24.

Conditions:
Hereditary cancer-predisposing syndrome. Also called: Neoplastic Syndromes, Hereditary; Tumor predisposition; Hereditary Cancer Syndrome; Hereditary neoplastic syndrome. Identifiers: Orphanet 140162, MedGen C0027672, MeSH D009386, MONDO:0015356.

gnomAD v4.1: 1 of 1,613,836 alleles (0.000062%); highest among the groups gnomAD compares: Non-Finnish European, 0.000085%; no homozygotes.

Submissions (2):

Ambry Genetics
Classification: Uncertain significance for Hereditary cancer-predisposing syndrome. Last evaluated: 2022-03-24. Review status: criteria provided, single submitter. Criteria: Ambry Variant Classification Scheme 2023. Collection method: clinical testing. Allele origin: germline.
Comment: The p.H293Y variant (also known as c.877C>T), located in coding exon 5 of the MSH3 gene, results from a C to T substitution at nucleotide position 877. The histidine at codon 293 is replaced by tyrosine, an amino acid with similar properties. This amino acid position is conserved. In addition, this alteration is predicted to be deleterious by in silico analysis. Since supporting evidence is limited at this time, the clinical significance of this alteration remains unclear.

Labcorp Genetics (formerly Invitae), Labcorp
Classification: Uncertain significance. Last evaluated: 2022-03-05. Review status: criteria provided, single submitter. Criteria: Invitae Variant Classification Sherloc (09022015). Collection method: clinical testing. Allele origin: germline.
Comment: In summary, the available evidence is currently insufficient to determine the role of this variant in disease. Therefore, it has been classified as a Variant of Uncertain Significance. This sequence change replaces histidine, which is basic and polar, with tyrosine, which is neutral and polar, at codon 293 of the MSH3 protein (p.His293Tyr). This variant is not present in population databases (gnomAD no frequency). This variant has not been reported in the literature in individuals affected with MSH3-related conditions. ClinVar contains an entry for this variant (Variation ID: 1025746). Algorithms developed to predict the effect of missense changes on protein structure and function (SIFT, PolyPhen-2, Align-GVGD) all suggest that this variant is likely to be disruptive.

NM_002439.5(MSH3):c.877C>T (p.His293Tyr)

Gene: MSH3 (mutS homolog 3; plus strand). Cytogenetic location: 5q14.1.
Variant type: single nucleotide variant.
Coding change: c.877C>T on transcript NM_002439.5 (MANE Select); coding-DNA position 877, C replaced by T.
Protein change: p.His293Tyr; replaces histidine 293 with tyrosine.
Molecular consequence: missense variant.
Genome position (GRCh38, 1-based): chr5:80,672,328, C>T. VCF-style: chr5-80672328-C-T. GRCh37 (hg19) VCF-style: chr5-79968147-C-T.
Other names: short protein forms H293Y.
Identifiers: ClinVar variation 1025746 (VCV001025746.11), dbSNP rs933563870, ClinGen allele CA360267234.